The following is an entry in ClinVar:

NM_000082.4(ERCC8):c.1041G>A (p.Gln347=)

Gene: ERCC8 (ERCC excision repair 8, CSA ubiquitin ligase complex subunit; minus strand). Cytogenetic location: 5q12.1.
Variant type: single nucleotide variant.
Coding change: c.1041G>A on transcript NM_000082.4 (MANE Select); coding-DNA position 1041, G replaced by A.
Protein change: p.Gln347=; no amino-acid change (glutamine 347 retained).
Molecular consequence: synonymous variant.
Genome position (GRCh38, 1-based): chr5:60,890,889, C>T on the plus strand (G>A on the coding strand, the complement: ERCC8 is on the minus strand). VCF-style: chr5-60890889-C-T. GRCh37 (hg19) VCF-style: chr5-60186716-C-T.
Other names: c.867G>A, p.Gln289= (NM_001007233.3); c.582G>A, p.Gln194= (NM_001290285.2).
Identifiers: ClinVar variation 3338104 (VCV003338104.2).

ClinVar aggregate classification (germline): Pathogenic (1 of 4 stars; one submission).

Conditions:
Cockayne syndrome type 1. Also called: Cockayne syndrome type I; Cockayne syndrome classical; Cockayne syndrome classic form. Identifiers: Orphanet 191, Orphanet 90321, MedGen C0751039, MONDO:0019569, OMIM 216400.

gnomAD v4.1: 5 of 1,610,702 alleles (0.00031%); highest among the groups gnomAD compares: Non-Finnish European, 0.00042%; no homozygotes.

Submission:

Henan Neurodevelopment Engineering Research Center for Children, Children's Hospital Affiliated to Zhengzhou University
Classification: Pathogenic for Cockayne syndrome type 1. Last evaluated: 2024-08-24. Review status: criteria provided, single submitter. Criteria: ACMG Guidelines, 2015. Collection method: research. Allele origin: maternal. Inheritance: Autosomal recessive inheritance. Affected: yes. Observed: 1 compound heterozygote.
Comment: The c.1041G>A variant was not found in the 1000 Genomes, HGMD, gnomAD, or Clinvar databases (PM2_supporting). Prediction tools Mutation taster (Disease_causing, predicted value of 1.0) and CADD software (predicted value of 33) indicated harmful effects, with an SSP score of 0.93. RNA sequencing confirmed the exon 10 deletion caused by c.1041G>A (PVS1). According to ACMG guidelines, ERCC8 (NM_000082.3) c.1041G>A (p.282_347del) (PVS1+PM2_supporting+PM3+PP4) is classified as a pathogenic variant.